The following is an entry in ClinVar:

ClinVar aggregate classification (germline): Uncertain significance (1 of 4 stars; one submission).

Submission:

Labcorp Genetics (formerly Invitae), Labcorp
Classification: Uncertain significance. Last evaluated: 2022-05-18. Review status: criteria provided, single submitter. Criteria: Invitae Variant Classification Sherloc (09022015). Collection method: clinical testing. Allele origin: germline.
Comment: This sequence change replaces proline, which is neutral and non-polar, with leucine, which is neutral and non-polar, at codon 359 of the MAK protein (p.Pro359Leu). This variant is not present in population databases (gnomAD no frequency). This variant has not been reported in the literature in individuals affected with MAK-related conditions. Advanced modeling of protein sequence and biophysical properties (such as structural, functional, and spatial information, amino acid conservation, physicochemical variation, residue mobility, and thermodynamic stability) performed at Invitae indicates that this missense variant is not expected to disrupt MAK protein function. In summary, the available evidence is currently insufficient to determine the role of this variant in disease. Therefore, it has been classified as a Variant of Uncertain Significance.

NM_001242957.3(MAK):c.1076C>T (p.Pro359Leu)

Gene: MAK (male germ cell associated kinase; minus strand). Cytogenetic location: 6p24.2.
Variant type: single nucleotide variant.
Coding change: c.1076C>T on transcript NM_001242957.3 (MANE Select); coding-DNA position 1076, C replaced by T.
Protein change: p.Pro359Leu; replaces proline 359 with leucine.
Molecular consequence: missense variant. On other transcripts: non-coding transcript variant (2).
Genome position (GRCh38, 1-based): chr6:10,796,065, G>A on the plus strand (C>T on the coding strand, the complement: MAK is on the minus strand). VCF-style: chr6-10796065-G-A. GRCh37 (hg19) VCF-style: chr6-10796298-G-A.
Other names: c.1076C>T, p.Pro359Leu (NM_001242385.2, NM_005906.6); c.974C>T, p.Pro325Leu (NM_001377262.1); short protein forms P359L, P325L.
Identifiers: ClinVar variation 1931143 (VCV001931143.2), dbSNP rs2532426042, ClinGen allele CA362719276.
Genomic context (GRCh38, chr6:10,796,065, plus strand): 5'-ATGTTTTTGACGATGCTCGGGAATAGCGTTTGTGGCGGTTTCTCCTGACTCTGTTGCTTT[G>A]GAGGTTGCTGGACGCTCAGGTTCTGTGGCGGCTGAATGGGCTGCAGTGGCTGCTGGCTAG-3'
Protein context (NP_001229886.1, residues 349-369): PPQNLSVQQP[Pro359Leu]KQQSQEKPPQ